The following is an entry in ClinVar:

ClinVar aggregate classification (germline): Uncertain significance. Review status: criteria provided, multiple submitters, no conflicts (2 of 4 stars). 2 submissions from 2 submitters: Uncertain significance (2). Last evaluated 2025-07-16.

Conditions:
Joubert syndrome. Also called: Familial aplasia of the vermis; JOUBERT-BOLTSHAUSER SYNDROME. Identifiers: Orphanet 475, MedGen C5979921, MONDO:0018772.

Allele frequency attached by ClinVar (database versions not stated): gnomAD exomes below 0.00001; ExAC 0.00002.
gnomAD v4.1: 1 of 1,610,018 alleles (0.000062%); highest among the groups gnomAD compares: East Asian, 0.0022%; no homozygotes.

Submissions (2):

Labcorp Genetics (formerly Invitae), Labcorp
Classification: Uncertain significance for Joubert syndrome. Last evaluated: 2025-07-16. Review status: criteria provided, single submitter. Criteria: Invitae Variant Classification Sherloc (09022015). Collection method: clinical testing. Allele origin: germline.
Comment: This sequence change replaces asparagine, which is neutral and polar, with aspartic acid, which is acidic and polar, at codon 620 of the AHI1 protein (p.Asn620Asp). This variant is present in population databases (rs761150146, gnomAD 0.01%). This variant has not been reported in the literature in individuals affected with AHI1-related conditions. ClinVar contains an entry for this variant (Variation ID: 2195364). Invitae Evidence Modeling of protein sequence and biophysical properties (such as structural, functional, and spatial information, amino acid conservation, physicochemical variation, residue mobility, and thermodynamic stability) indicates that this missense variant is not expected to disrupt AHI1 protein function with a negative predictive value of 95%. In summary, the available evidence is currently insufficient to determine the role of this variant in disease. Therefore, it has been classified as a Variant of Uncertain Significance.

Blueprint Genetics
Classification: Uncertain significance. Last evaluated: 2018-05-07. Review status: criteria provided, single submitter. Criteria: ACMG Guidelines, 2015. Collection method: clinical testing. Allele origin: germline.

NM_001134831.2(AHI1):c.1858A>G (p.Asn620Asp)

Gene: AHI1 (Abelson helper integration site 1; minus strand). Cytogenetic location: 6q23.3.
Variant type: single nucleotide variant.
Coding change: c.1858A>G on transcript NM_001134831.2 (MANE Select); coding-DNA position 1858, A replaced by G.
Protein change: p.Asn620Asp; replaces asparagine 620 with aspartic acid.
Molecular consequence: missense variant.
Genome position (GRCh38, 1-based): chr6:135,442,636, T>C on the plus strand (A>G on the coding strand, the complement: AHI1 is on the minus strand). VCF-style: chr6-135442636-T-C. GRCh37 (hg19) VCF-style: chr6-135763774-T-C.
Other names: c.1858A>G, p.Asn620Asp (NM_001134830.2, NM_001134832.2, NM_001350503.2 and 2 more transcripts); short protein forms N620D.
Identifiers: ClinVar variation 2195364 (VCV002195364.4), dbSNP rs761150146, ClinGen allele CA4012493.